The following is an entry in ClinVar:

NM_003482.4(KMT2D):c.16464T>A (p.Phe5488Leu)

Gene: KMT2D (lysine methyltransferase 2D; minus strand). Cytogenetic location: 12q13.12.
Variant type: single nucleotide variant.
Coding change: c.16464T>A on transcript NM_003482.4 (MANE Select); coding-DNA position 16464, T replaced by A.
Protein change: p.Phe5488Leu; replaces phenylalanine 5488 with leucine.
Molecular consequence: missense variant.
Genome position (GRCh38, 1-based): chr12:49,022,100, A>T on the plus strand (T>A on the coding strand, the complement: KMT2D is on the minus strand). VCF-style: chr12-49022100-A-T. GRCh37 (hg19) VCF-style: chr12-49415883-A-T.
Other names: short protein forms F5488L.
Identifiers: ClinVar variation 1308601 (VCV001308601.2), dbSNP rs2137703769, ClinGen allele CA384675998.
Genomic context (GRCh38, chr12:49,022,100, plus strand): 5'-CACCTCCTCTCCTTTGGGGATTCGCCGGCTGGAGATGATGATGATTTTGTCCTCTTTGTC[A>T]AATGTCACGACTTCGGCCACACAGTTAGGGGCACAGGAATGGTTAATGTACCTGGGCAGT-3'
Protein context (NP_003473.3, residues 5478-5498): APNCVAEVVT[Phe5488Leu]DKEDKIIIIS

ClinVar aggregate classification (germline): Uncertain significance (1 of 4 stars; one submission).

Submission:

GeneDx
Classification: Uncertain significance. Last evaluated: 2019-04-16. Review status: criteria provided, single submitter. Criteria: GeneDx Variant Classification Process June 2021. Collection method: clinical testing. Allele origin: germline. Affected: yes.
Comment: Not observed in large population cohorts (Lek et al., 2016); In silico analysis, which includes protein predictors and evolutionary conservation, supports a deleterious effect; Has not been previously published as pathogenic or benign to our knowledge